The following is an entry in ClinVar:

NM_014425.5(INVS):c.2386C>G (p.Gln796Glu)

Gene: INVS (inversin; plus strand). Cytogenetic location: 9q31.1.
Variant type: single nucleotide variant.
Coding change: c.2386C>G on transcript NM_014425.5 (MANE Select); coding-DNA position 2386, C replaced by G.
Protein change: p.Gln796Glu; replaces glutamine 796 with glutamic acid.
Molecular consequence: missense variant. On other transcripts: non-coding transcript variant (1).
Genome position (GRCh38, 1-based): chr9:100,292,643, C>G. VCF-style: chr9-100292643-C-G. GRCh37 (hg19) VCF-style: chr9-103054925-C-G.
Other names: p.Gln796Glu; c.2098C>G, p.Gln700Glu (NM_001318381.2); c.1408C>G, p.Gln470Glu (NM_001318382.2); c.2386C>G (NM_014425.4, NM_014425.2); short protein forms Q796E, Q470E, Q700E.
Identifiers: ClinVar variation 496840 (VCV000496840.16), dbSNP rs147731667, ClinGen allele CA5158616.

ClinVar aggregate classification (germline): Conflicting classifications of pathogenicity. Review status: criteria provided, conflicting classifications (1 of 4 stars). 7 submissions from 7 submitters: Uncertain significance (5); Likely benign (1). 1 of the submissions does not count toward it. Last evaluated 2025-02-14.

Conditions:
Infantile nephronophthisis (NPHP2). Also called: Nephronophthisis 2, infantile; Nephronophthisis 2. Identifiers: Orphanet 655, Orphanet 93591, MedGen C1865872, MONDO:0011190, OMIM 602088.
INVS-related disorder. Also called: INVS-related condition.
Nephronophthisis. Also called: Juvenile Nephronophthisis. Identifiers: Orphanet 655, MedGen C0687120, MONDO:0019005, HP:0000090.
Inborn genetic diseases. Identifiers: MedGen C0950123, MeSH D030342.

Allele frequency attached by ClinVar (database versions not stated): gnomAD exomes 0.00005 and 0.00014; ExAC 0.00014; 1000 Genomes Project 0.00040; ESP Exome Variant Server 0.00046; 1000 Genomes Project 30x 0.00047; gnomAD 0.00052 and 0.00058; TOPMed 0.00068.
gnomAD v4.1: 167 of 1,614,164 alleles (0.01%); highest among the groups gnomAD compares: African/African-American, 0.19%; no homozygotes.

Submissions (7):

Mayo Clinic Laboratories, Mayo Clinic
Classification: Uncertain significance. Last evaluated: 2025-02-14. Review status: criteria provided, single submitter. Criteria: ACMG Guidelines, 2015. Collection method: clinical testing. Allele origin: germline. Observed: 1 variant allele.
Comment: BP4_strong

Labcorp Genetics (formerly Invitae), Labcorp
Classification: Uncertain significance for Nephronophthisis. Last evaluated: 2024-12-02. Review status: criteria provided, single submitter. Criteria: Invitae Variant Classification Sherloc (09022015). Collection method: clinical testing. Allele origin: germline.
Comment: This sequence change replaces glutamine, which is neutral and polar, with glutamic acid, which is acidic and polar, at codon 796 of the INVS protein (p.Gln796Glu). This variant is present in population databases (rs147731667, gnomAD 0.2%). This variant has not been reported in the literature in individuals affected with INVS-related conditions. ClinVar contains an entry for this variant (Variation ID: 496840). An algorithm developed to predict the effect of missense changes on protein structure and function (PolyPhen-2) suggests that this variant¬†is likely to be tolerated. In summary, the available evidence is currently insufficient to determine the role of this variant in disease. Therefore, it has been classified as a Variant of Uncertain Significance.

Blueprint Genetics
Classification: Likely benign. Last evaluated: 2024-09-23. Review status: criteria provided, single submitter. Criteria: ACMG Guidelines, 2015. Collection method: clinical testing. Allele origin: germline.

Ambry Genetics
Classification: Uncertain significance for Inborn genetic diseases. Last evaluated: 2023-10-05. Review status: criteria provided, single submitter. Criteria: Ambry Variant Classification Scheme 2023. Collection method: clinical testing. Allele origin: germline.

Fulgent Genetics
Classification: Uncertain significance for Infantile nephronophthisis. Last evaluated: 2018-10-31. Review status: criteria provided, single submitter. Criteria: ACMG Guidelines, 2015. Collection method: clinical testing. Allele origin: unknown.

Eurofins Ntd Llc (ga)
Classification: Uncertain significance. Last evaluated: 2018-05-24. Review status: criteria provided, single submitter. Criteria: EGL ClinVar v180209 classification definitions. Collection method: clinical testing. Allele origin: germline. Observed: 9 variant alleles, 9 heterozygotes.

PreventionGenetics, part of Exact Sciences
Classification: Likely benign for INVS-related condition. Last evaluated: 2022-02-12. Review status: no assertion criteria provided. Collection method: clinical testing. Allele origin: germline. Not counted in ClinVar's aggregate classification.
Comment: This variant is classified as likely benign based on ACMG/AMP sequence variant interpretation guidelines (Richards et al. 2015 PMID: 25741868, with internal and published modifications).